The following is an entry in ClinVar:

ClinVar aggregate classification (germline): Uncertain significance (1 of 4 stars; one submission).

Conditions:
Hereditary cancer-predisposing syndrome. Also called: Neoplastic Syndromes, Hereditary; Tumor predisposition; Hereditary Cancer Syndrome; Hereditary neoplastic syndrome. Identifiers: Orphanet 140162, MedGen C0027672, MeSH D009386, MONDO:0015356.

gnomAD v4.1: 1 of 1,613,532 alleles (0.000062%); highest among the groups gnomAD compares: Non-Finnish European, 0.000085%; no homozygotes.

Submission:

Ambry Genetics
Classification: Uncertain significance for Hereditary cancer-predisposing syndrome. Last evaluated: 2025-09-19. Review status: criteria provided, single submitter. Criteria: Ambry Variant Classification Scheme 2023. Collection method: clinical testing. Allele origin: germline.
Comment: The p.P210R variant (also known as c.629C>G), located in coding exon 6 of the PRKAR1A gene, results from a C to G substitution at nucleotide position 629. The proline at codon 210 is replaced by arginine, an amino acid with dissimilar properties. This amino acid position is conserved. In addition, this alteration is predicted to be deleterious by in silico analysis. Based on the available evidence, the clinical significance of this variant remains unclear.

NM_002734.5(PRKAR1A):c.629C>G (p.Pro210Arg)

Gene: PRKAR1A (protein kinase cAMP-dependent type I regulatory subunit alpha; plus strand). Cytogenetic location: 17q24.2.
Variant type: single nucleotide variant.
Coding change: c.629C>G on transcript NM_002734.5 (MANE Select); coding-DNA position 629, C replaced by G.
Protein change: p.Pro210Arg; replaces proline 210 with arginine.
Molecular consequence: missense variant.
Genome position (GRCh38, 1-based): chr17:68,525,833, C>G. VCF-style: chr17-68525833-C-G. GRCh37 (hg19) VCF-style: chr17-66521974-C-G.
Other names: c.629C>G, p.Pro210Arg (NM_001276289.2, NM_001276290.1, NM_001278433.2 and 4 more transcripts); short protein forms P210R.
Identifiers: ClinVar variation 4674145 (VCV004674145.1).